The following is an entry in ClinVar:

ClinVar aggregate classification (germline): Benign/Likely benign. Review status: criteria provided, multiple submitters, no conflicts (2 of 4 stars). 3 submissions from 3 submitters: Benign (1); Likely benign (2). Last evaluated 2025-10-02.

Conditions:
Inborn genetic diseases. Identifiers: MedGen C0950123, MeSH D030342.

Allele frequency attached by ClinVar (database versions not stated): ESP Exome Variant Server 0.00008; TOPMed 0.00011; 1000 Genomes Project 30x 0.00016; gnomAD exomes 0.00016 and 0.00021; 1000 Genomes Project 0.00020; gnomAD 0.00023 and 0.00024; ExAC 0.00035.
gnomAD v4.1: 248 of 1,553,494 alleles (0.016%); highest among the groups gnomAD compares: Non-Finnish European, 0.015%; 1 homozygote.

Submissions (3):

Labcorp Genetics (formerly Invitae), Labcorp
Classification: Benign. Last evaluated: 2025-10-02. Review status: criteria provided, single submitter. Criteria: Invitae Variant Classification Sherloc (09022015). Collection method: clinical testing. Allele origin: germline.

CeGaT Center for Human Genetics Tuebingen
Classification: Likely benign. Last evaluated: 2024-02-01. Review status: criteria provided, single submitter. Criteria: CeGaT Center For Human Genetics Tuebingen Variant Classification Criteria Version 2. Collection method: clinical testing. Allele origin: germline. Affected: yes. Observed: 2 variant alleles.
Comment: CHD8: BS2

Ambry Genetics
Classification: Likely benign for Inborn genetic diseases. Last evaluated: 2021-11-03. Review status: criteria provided, single submitter. Criteria: Ambry Variant Classification Scheme 2023. Collection method: clinical testing. Allele origin: germline.

NM_001170629.2(CHD8):c.7431G>A (p.Met2477Ile)

Gene: CHD8 (chromodomain helicase DNA binding protein 8; minus strand). Cytogenetic location: 14q11.2.
Variant type: single nucleotide variant.
Coding change: c.7431G>A on transcript NM_001170629.2 (MANE Select); coding-DNA position 7431, G replaced by A.
Protein change: p.Met2477Ile; replaces methionine 2477 with isoleucine.
Molecular consequence: missense variant.
Genome position (GRCh38, 1-based): chr14:21,385,928, C>T on the plus strand (G>A on the coding strand, the complement: CHD8 is on the minus strand). VCF-style: chr14-21385928-C-T. GRCh37 (hg19) VCF-style: chr14-21854087-C-T.
Other names: c.7431G>A (NM_001170629.1); c.6594G>A, p.Met2198Ile (NM_020920.4); short protein forms M2198I, M2477I.
Identifiers: ClinVar variation 1648543 (VCV001648543.32), dbSNP rs375405457, ClinGen allele CA7090544.